The following is an entry in ClinVar:

NM_000388.4(CASR):c.3235T>C (p.Ter1079Gln)

Gene: CASR (calcium sensing receptor; plus strand). Cytogenetic location: 3q21.1.
Variant type: single nucleotide variant.
Coding change: c.3235T>C on transcript NM_000388.4 (MANE Select); coding-DNA position 3235, T replaced by C.
Protein change: p.Ter1079Gln.
Molecular consequence: stop lost.
Genome position (GRCh38, 1-based): chr3:122,285,189, T>C. VCF-style: chr3-122285189-T-C. GRCh37 (hg19) VCF-style: chr3-122004036-T-C.
Other names: c.3265T>C, p.Ter1089Gln (NM_001178065.2).
Identifiers: ClinVar variation 4783630 (VCV004783630.2).
Genomic context (GRCh38, chr3:122,285,189, plus strand): 5'-TCACAGAGCTTTGTCATCAGTGGTGGAGGCAGCACTGTTACAGAAAACGTAGTGAATTCA[T>C]AAAATGGAAGGAGAAGACTGGGCTAGGGAGAATGCAGAGAGGTTTCTTGGGGTCCCAGGG-3'

ClinVar aggregate classification (germline): Uncertain significance. Review status: criteria provided, single submitter (1 of 4 stars). 2 submissions from 2 submitters: Uncertain significance (1). 1 of the submissions does not count toward it. Last evaluated 2025-03-03.

Conditions:
Familial hypocalciuric hypercalcemia 1. Also called: Hypercalcemia, familial benign type 1. Identifiers: Orphanet 405, Orphanet 93372, MedGen C0342637, MONDO:0007791, OMIM 145980.
Autosomal dominant hypocalcemia 1 (HYPOC1). Also called: HYPOCALCEMIA, FAMILIAL. Identifiers: MedGen C3715128, MONDO:0011013, OMIM 601198.
Familial hypocalciuric hypercalcemia (FHH). Also called: Familial benign hypercalcemia. Identifiers: Orphanet 405, MedGen C1809471, MONDO:0018458.

gnomAD v4.1: 1 of 1,613,824 alleles (0.000062%); highest among the groups gnomAD compares: Non-Finnish European, 0.000085%; no homozygotes.

Submissions (2):

Labcorp Genetics (formerly Invitae), Labcorp
Classification: Uncertain significance for Familial hypocalciuric hypercalcemia; Autosomal dominant hypocalcemia 1. Last evaluated: 2025-03-03. Review status: criteria provided, single submitter. Criteria: Invitae Variant Classification Sherloc (09022015). Collection method: clinical testing. Allele origin: germline.
Comment: This sequence change disrupts the translational stop signal of the CASR mRNA. It is expected to extend the length of the CASR protein by 8 additional amino acid residues. This variant is not present in population databases (gnomAD no frequency). This protein extension has been observed in individual(s) with familial hypocalciuric hypercalcemia (PMID: 20164288, 32698162). This variant is also known as X1079QextX1087. Algorithms developed to predict the effect of variants on gene product structure and function are not available or were not evaluated for this variant. Experimental studies have shown that this protein extension affects CASR function (PMID: 20164288). In summary, the available evidence is currently insufficient to determine the role of this variant in disease. Therefore, it has been classified as a Variant of Uncertain Significance.

Cardiovascular Genetics Laboratory, PathWest Laboratory Medicine WA - Fiona Stanley Hospital
Classification: Likely pathogenic for Familial hypocalciuric hypercalcemia 1. Last evaluated: 2023-08-28. Review status: no assertion criteria provided. Criteria: ACMG Guidelines, 2015. Collection method: clinical testing. Allele origin: germline. Affected: yes. Not counted in ClinVar's aggregate classification.

Literature cited by the submitters: PubMed 20164288 (cited by Labcorp Genetics (formerly Invitae), Labcorp); PubMed 32698162 (cited by Labcorp Genetics (formerly Invitae), Labcorp).